The following is an entry in ClinVar:

NM_000038.6(APC):c.2627G>T (p.Arg876Leu)

Gene: APC (APC regulator of Wnt signaling pathway; plus strand). Cytogenetic location: 5q22.2.
Variant type: single nucleotide variant.
Coding change: c.2627G>T on transcript NM_000038.6 (MANE Select); coding-DNA position 2627, G replaced by T.
Protein change: p.Arg876Leu; replaces arginine 876 with leucine.
Molecular consequence: missense variant.
Genome position (GRCh38, 1-based): chr5:112,838,221, G>T. VCF-style: chr5-112838221-G-T. GRCh37 (hg19) VCF-style: chr5-112173918-G-T.
Other names: c.2627G>T, p.Arg876Leu (NM_001127510.3, NM_001354895.2); c.2573G>T, p.Arg858Leu (NM_001127511.3); c.2681G>T, p.Arg894Leu (NM_001354896.2); c.2657G>T, p.Arg886Leu (NM_001354897.2); c.2552G>T, p.Arg851Leu (NM_001354898.2); c.2543G>T, p.Arg848Leu (NM_001354899.2); c.2504G>T, p.Arg835Leu (NM_001354900.2); c.2450G>T, p.Arg817Leu (NM_001354901.2); and 5 more; short protein forms R593L, R716L, R750L, R775L, R785L, R817L, R835L, R848L.
Identifiers: ClinVar variation 1020757 (VCV001020757.48), dbSNP rs373428732, ClinGen allele CA16027079.
Genomic context (GRCh38, chr5:112,838,221, plus strand): 5'-GCGGAATTGGTCTAGGCAACTACCATCCAGCAACAGAAAATCCAGGAACTTCTTCAAAGC[G>T]AGGTTTGCAGATCTCCACCACTGCAGCCCAGATTGCCAAAGTCATGGAAGAAGTGTCAGC-3'
Protein context (NP_000029.2, residues 866-886): ATENPGTSSK[Arg876Leu]GLQISTTAAQ

ClinVar aggregate classification (germline): Uncertain significance (1 of 4 stars; one submission).

Conditions:
Familial adenomatous polyposis 1 (FAP1). Also called: POLYPOSIS, ADENOMATOUS INTESTINAL; FAMILIAL ADENOMATOUS POLYPOSIS 1, ATTENUATED. Identifiers: MedGen C2713442, MONDO:0021056, OMIM 175100. Disease mechanism: loss of function.

Submission:

Labcorp Genetics (formerly Invitae), Labcorp
Classification: Uncertain significance for Familial adenomatous polyposis 1. Last evaluated: 2023-09-19. Review status: criteria provided, single submitter. Criteria: Invitae Variant Classification Sherloc (09022015). Collection method: clinical testing. Allele origin: germline.
Comment: This variant has not been reported in the literature in individuals affected with APC-related conditions. ClinVar contains an entry for this variant (Variation ID: 1020757). This variant is not present in population databases (gnomAD no frequency). This sequence change replaces arginine, which is basic and polar, with leucine, which is neutral and non-polar, at codon 876 of the APC protein (p.Arg876Leu). In summary, the available evidence is currently insufficient to determine the role of this variant in disease. Therefore, it has been classified as a Variant of Uncertain Significance. Advanced modeling of protein sequence and biophysical properties (such as structural, functional, and spatial information, amino acid conservation, physicochemical variation, residue mobility, and thermodynamic stability) performed at Invitae indicates that this missense variant is not expected to disrupt APC protein function.